The following is an entry in ClinVar:

NM_000260.4(MYO7A):c.133-1G>T

Gene: MYO7A (myosin VIIA; plus strand). Cytogenetic location: 11q13.5.
Variant type: single nucleotide variant.
Coding change: c.133-1G>T on transcript NM_000260.4 (MANE Select); the canonical splice acceptor site of the intron before coding-DNA position 133, G replaced by T.
Molecular consequence: splice acceptor variant.
Genome position (GRCh38, 1-based): chr11:77,147,797, G>T. VCF-style: chr11-77147797-G-T. GRCh37 (hg19) VCF-style: chr11-76858843-G-T.
Other names: c.100-1G>T (NM_001369365.1); c.133-1G>T (NM_001127180.2).
Identifiers: ClinVar variation 945087 (VCV000945087.8), dbSNP rs1951682627, ClinGen allele CA381928518.

ClinVar aggregate classification (germline): Pathogenic (1 of 4 stars; one submission).

Submission:

Labcorp Genetics (formerly Invitae), Labcorp
Classification: Pathogenic. Last evaluated: 2022-10-28. Review status: criteria provided, single submitter. Criteria: Invitae Variant Classification Sherloc (09022015). Collection method: clinical testing. Allele origin: germline.
Comment: This sequence change affects an acceptor splice site in intron 3 of the MYO7A gene. It is expected to disrupt RNA splicing. Variants that disrupt the donor or acceptor splice site typically lead to a loss of protein function (PMID: 16199547), and loss-of-function variants in MYO7A are known to be pathogenic (PMID: 8900236, 25404053). For these reasons, this variant has been classified as Pathogenic. Algorithms developed to predict the effect of sequence changes on RNA splicing suggest that this variant may disrupt the consensus splice site. ClinVar contains an entry for this variant (Variation ID: 945087). Disruption of this splice site has been observed in individuals with clinical features of autosomal recessive Usher syndrome and non-syndromic deafness (PMID: 24199935, 27460420). This variant is not present in population databases (gnomAD no frequency).

Literature cited by the submitters: PubMed 16199547; PubMed 8900236; PubMed 25404053; PubMed 24199935; PubMed 27460420.